The following is an entry in ClinVar:

NM_032444.4(SLX4):c.2767A>T (p.Met923Leu)

Gene: SLX4 (SLX4 structure-specific endonuclease subunit; minus strand). Cytogenetic location: 16p13.3.
Variant type: single nucleotide variant.
Coding change: c.2767A>T on transcript NM_032444.4 (MANE Select); coding-DNA position 2767, A replaced by T.
Protein change: p.Met923Leu; replaces methionine 923 with leucine.
Molecular consequence: missense variant.
Genome position (GRCh38, 1-based): chr16:3,590,871, T>A on the plus strand (A>T on the coding strand, the complement: SLX4 is on the minus strand). VCF-style: chr16-3590871-T-A. GRCh37 (hg19) VCF-style: chr16-3640872-T-A.
Other names: c.2767A>T (NM_032444.2); short protein forms M923L.
Identifiers: ClinVar variation 1017960 (VCV001017960.12), dbSNP rs573280243, ClinGen allele CA7866077.

ClinVar aggregate classification (germline): Uncertain significance. Review status: criteria provided, multiple submitters, no conflicts (2 of 4 stars). 4 submissions from 4 submitters: Uncertain significance (4). Last evaluated 2025-10-29.

Conditions:
Fanconi anemia (FA). Also called: Fanconi's anemia. Identifiers: Orphanet 84, MedGen C0015625, MeSH D005199, MONDO:0019391.
Fanconi anemia complementation group P. Also called: SLX4-Related Fanconi Anemia. Identifiers: Orphanet 84, MedGen C3469542, MONDO:0013499, OMIM 613951.
Inborn genetic diseases. Identifiers: MedGen C0950123, MeSH D030342.

Allele frequency attached by ClinVar (database versions not stated): gnomAD exomes below 0.00001 and 0.00002; gnomAD 0.00001; ExAC 0.00002; 1000 Genomes Project 30x 0.00016; 1000 Genomes Project 0.00020.
gnomAD v4.1: 7 of 1,614,058 alleles (0.00043%); highest among the groups gnomAD compares: East Asian, 0.016%; no homozygotes.

Submissions (4):

Labcorp Genetics (formerly Invitae), Labcorp
Classification: Uncertain significance for Fanconi anemia. Last evaluated: 2025-10-29. Review status: criteria provided, single submitter. Criteria: Invitae Variant Classification Sherloc (09022015). Collection method: clinical testing. Allele origin: germline.
Comment: This sequence change replaces methionine, which is neutral and non-polar, with leucine, which is neutral and non-polar, at codon 923 of the SLX4 protein (p.Met923Leu). This variant is present in population databases (rs573280243, gnomAD 0.02%). This variant has not been reported in the literature in individuals affected with SLX4-related conditions. ClinVar contains an entry for this variant (Variation ID: 1017960). An algorithm developed to predict the effect of missense changes on protein structure and function (PolyPhen-2) suggests that this variant is likely to be tolerated. In summary, the available evidence is currently insufficient to determine the role of this variant in disease. Therefore, it has been classified as a Variant of Uncertain Significance.

GeneDx
Classification: Uncertain significance. Last evaluated: 2025-04-13. Review status: criteria provided, single submitter. Criteria: GeneDx Variant Classification Process June 2021. Collection method: clinical testing. Allele origin: germline. Affected: yes.
Comment: In silico analysis indicates that this missense variant does not alter protein structure/function; Has not been previously published as pathogenic or benign to our knowledge

Ambry Genetics
Classification: Uncertain significance for Inborn genetic diseases. Last evaluated: 2023-05-24. Review status: criteria provided, single submitter. Criteria: Ambry Variant Classification Scheme 2023. Collection method: clinical testing. Allele origin: germline.

Fulgent Genetics
Classification: Uncertain significance for Fanconi anemia complementation group P. Last evaluated: 2022-04-22. Review status: criteria provided, single submitter. Criteria: ACMG Guidelines, 2015. Collection method: clinical testing. Allele origin: unknown.